The following is an entry in ClinVar:

ClinVar aggregate classification (germline): Likely pathogenic (1 of 4 stars; one submission).

Submission:

Mayo Clinic Laboratories, Mayo Clinic
Classification: Likely pathogenic. Last evaluated: 2025-01-23. Review status: criteria provided, single submitter. Criteria: ACMG Guidelines, 2015. Collection method: clinical testing. Allele origin: germline. Observed: 1 variant allele.
Comment: PM2_supporting, PVS1

NM_000130.5(F5):c.2426dup (p.Leu810fs)

Gene: F5 (coagulation factor V; minus strand). Cytogenetic location: 1q24.2.
Variant type: Duplication.
Coding change: c.2426dup on transcript NM_000130.5 (MANE Select); coding-DNA position 2426, one base duplicated (C; older notation c.2426dupC).
Protein change: p.Leu810fs; shifts the reading frame from leucine 810.
Molecular consequence: frameshift variant.
Genome position (GRCh38, 1-based): chr1:169,542,664, G duplicated on the plus strand (C on the coding strand, the reverse complement: F5 is on the minus strand); the first of 4 consecutive G bases (chr1:169,542,664-169,542,667); duplicating any one gives the same sequence. VCF-style (leftmost placement, unchanged base first): chr1-169542663-T-TG. GRCh37 (hg19) VCF-style: chr1-169511901-T-TG.
Other names: p.Leu810Thrfs*24; short protein forms L810fs.
Identifiers: ClinVar variation 4541870 (VCV004541870.1).